The following is an entry in ClinVar:

NC_000005.9:g.(?_35873562)_(35876588_?)del

Gene: IL7R (interleukin 7 receptor; plus strand). Cytogenetic location: 5p13.2.
Variant type: Deletion.
Identifiers: ClinVar variation 3246330 (VCV003246330.1).

ClinVar aggregate classification (germline): Pathogenic (1 of 4 stars; one submission).

Conditions:
Immunodeficiency 104. Also called: Severe combined immunodeficiency, autosomal recessive, T cell-negative, B cell-positive, NK cell-positive; Severe Combined Immune Deficiency, Autosomal Recessive, TCell -Negative, B Cell-Positive, NK Cell-Positive, IL7R-Related; SCID, AUTOSOMAL RECESSIVE, T CELL-NEGATIVE, B CELL-POSITIVE, NK CELL-POSITIVE; IMMUNODEFICIENCY 104, SEVERE COMBINED. Identifiers: MedGen C5676890, MONDO:0012163, OMIM 608971.

Submission:

Labcorp Genetics (formerly Invitae), Labcorp
Classification: Pathogenic for Immunodeficiency 104. Last evaluated: 2023-11-21. Review status: criteria provided, single submitter. Criteria: Invitae Variant Classification Sherloc (09022015). Collection method: clinical testing. Allele origin: unknown.
Comment: This variant is a gross deletion of the genomic region encompassing exon(s) 5-8 of the IL7R gene, which includes the termination codon. This deletion extends beyond the assayed region for this gene and therefore may encompass additional genes. While this deletion is not anticipated to lead to nonsense mediated decay, it is expected to alter mRNA translation or result in a truncated protein product. This variant has not been reported in the literature in individuals affected with IL7R-related conditions. This variant disrupts a region of the IL7R protein in which other variant(s) (p.Gly215Val) have been determined to be pathogenic (PMID: 18641513, 23810098; Invitae). This suggests that this is a clinically significant region of the protein, and that variants that disrupt it are likely to be disease-causing. For these reasons, this variant has been classified as Pathogenic.

Literature cited by the submitters: PubMed 18641513; PubMed 23810098.